The following is an entry in ClinVar:

NM_005215.4(DCC):c.2617C>A (p.Gln873Lys)

Gene: DCC (DCC netrin 1 receptor; plus strand). Cytogenetic location: 18q21.2.
Variant type: single nucleotide variant.
Coding change: c.2617C>A on transcript NM_005215.4 (MANE Select); coding-DNA position 2617, C replaced by A.
Protein change: p.Gln873Lys; replaces glutamine 873 with lysine.
Molecular consequence: missense variant.
Genome position (GRCh38, 1-based): chr18:53,391,816, C>A. VCF-style: chr18-53391816-C-A. GRCh37 (hg19) VCF-style: chr18-50918186-C-A.
Other names: short protein forms Q873K.
Identifiers: ClinVar variation 3252665 (VCV003252665.2), dbSNP rs2511369368.

ClinVar aggregate classification (germline): Uncertain significance (1 of 4 stars; one submission).

Submission:

GeneDx
Classification: Uncertain significance. Last evaluated: 2025-11-04. Review status: criteria provided, single submitter. Criteria: GeneDx Variant Classification Process June 2021. Collection method: clinical testing. Allele origin: germline.
Comment: Not observed at significant frequency in large population cohorts (gnomAD); In silico analysis supports that this missense variant has a deleterious effect on protein structure/function; Has not been previously published as pathogenic or benign to our knowledge